The following is an entry in ClinVar:

NM_005529.7(HSPG2):c.11245C>A (p.Pro3749Thr)

Gene: HSPG2 (heparan sulfate proteoglycan 2; minus strand). Cytogenetic location: 1p36.12.
Variant type: single nucleotide variant.
Coding change: c.11245C>A on transcript NM_005529.7 (MANE Select); coding-DNA position 11245, C replaced by A.
Protein change: p.Pro3749Thr; replaces proline 3749 with threonine.
Molecular consequence: missense variant.
Genome position (GRCh38, 1-based): chr1:21,831,759, G>T on the plus strand (C>A on the coding strand, the complement: HSPG2 is on the minus strand). VCF-style: chr1-21831759-G-T. GRCh37 (hg19) VCF-style: chr1-22158252-G-T.
Other names: c.11248C>A, p.Pro3750Thr (NM_001291860.2); short protein forms P3749T, P3750T.
Identifiers: ClinVar variation 4885201 (VCV004885201.2).

ClinVar aggregate classification (germline): Uncertain significance (1 of 4 stars; one submission).

gnomAD v4.1: 1 of 1,603,878 alleles (0.000062%); highest among the groups gnomAD compares: Admixed American, 0.0017%; no homozygotes.

Submission:

Dasa
Classification: Uncertain significance. Last evaluated: 2025-11-05. Review status: criteria provided, single submitter. Criteria: DASA Assertion Criteria. Collection method: clinical testing. Allele origin: germline.
Comment: NM_005529.7(HSPG2):c.11245C>A (p.Pro3749Thr) is a missense variant that results in the substitution of proline with threonine. This variant is rare in population databases. The currently available literature and clinical evidence are not sufficient to establish a definitive association between this variant and the reported condition. Therefore, this variant is classified as a variant of uncertain significance.